The following is an entry in ClinVar:

ClinVar aggregate classification (germline): Likely pathogenic. Review status: criteria provided, multiple submitters, no conflicts (2 of 4 stars). 2 submissions from 2 submitters: Likely pathogenic (2). Last evaluated 2026-01-13.

Conditions:
STX3-related disorder. Also called: STX3-related condition.

Allele frequency attached by ClinVar (database versions not stated): gnomAD exomes 0.00001 and 0.00007; TOPMed 0.00003; gnomAD 0.00005.
gnomAD v4.1: 102 of 1,592,712 alleles (0.0064%); highest among the groups gnomAD compares: Middle Eastern, 0.017%; 1 homozygote.

Submissions (2):

PreventionGenetics, part of Exact Sciences
Classification: Likely pathogenic for STX3-related condition. Last evaluated: 2026-01-13. Review status: criteria provided, single submitter. Criteria: ACMG Guidelines, 2015. Collection method: clinical testing. Allele origin: germline.
Comment: The STX3 c.30+1G>T variant is predicted to disrupt the GT donor site and interfere with normal splicing. To our knowledge, this variant has not been reported in the literature. This variant is reported in 0.0034% of alleles in individuals of European (Non-Finnish) descent in gnomAD. Variants that disrupt the consensus splice donor site in STX3 are expected to be pathogenic. This variant is interpreted as likely pathogenic.

Labcorp Genetics (formerly Invitae), Labcorp
Classification: Likely pathogenic. Last evaluated: 2025-10-31. Review status: criteria provided, single submitter. Criteria: Invitae Variant Classification Sherloc (09022015). Collection method: clinical testing. Allele origin: germline.
Comment: This sequence change affects a donor splice site in intron 1 of the STX3 gene. It is expected to disrupt RNA splicing. Variants that disrupt the donor or acceptor splice site typically lead to a loss of protein function (PMID: 16199547), and loss-of-function variants in STX3 are known to be pathogenic (PMID: 24726755). The frequency data for this variant in the population databases is considered unreliable, as metrics indicate poor data quality at this position in the gnomAD database. This variant has not been reported in the literature in individuals affected with STX3-related conditions. ClinVar contains an entry for this variant (Variation ID: 1506068). Algorithms developed to predict the effect of sequence changes on RNA splicing suggest that this variant may disrupt the consensus splice site. In summary, the currently available evidence indicates that the variant is pathogenic, but additional data are needed to prove that conclusively. Therefore, this variant has been classified as Likely Pathogenic.

Literature cited by the submitters: PubMed 16199547 (cited by Labcorp Genetics (formerly Invitae), Labcorp); PubMed 24726755 (cited by Labcorp Genetics (formerly Invitae), Labcorp).

NM_004177.5(STX3):c.30+1G>T

Gene: STX3 (syntaxin 3; plus strand). Cytogenetic location: 11q12.1.
Variant type: single nucleotide variant.
Coding change: c.30+1G>T on transcript NM_004177.5 (MANE Select); the canonical splice donor site of the intron after coding-DNA position 30, G replaced by T.
Molecular consequence: splice donor variant.
Genome position (GRCh38, 1-based): chr11:59,755,636, G>T. VCF-style: chr11-59755636-G-T. GRCh37 (hg19) VCF-style: chr11-59523109-G-T.
Other names: c.30+1G>T (NM_004177.4, NM_001440524.1, NM_001440526.1 and 9 more transcripts).
Identifiers: ClinVar variation 1506068 (VCV001506068.7), dbSNP rs1394703998, ClinGen allele CA380799359.